The following is an entry in ClinVar:

ClinVar aggregate classification (germline): Uncertain significance (1 of 4 stars; one submission).

gnomAD v4.1: 6 of 1,613,360 alleles (0.00037%); highest among the groups gnomAD compares: African/African-American, 0.0013%; no homozygotes.

Submission:

Labcorp Genetics (formerly Invitae), Labcorp
Classification: Uncertain significance. Last evaluated: 2025-04-28. Review status: criteria provided, single submitter. Criteria: Invitae Variant Classification Sherloc (09022015). Collection method: clinical testing. Allele origin: germline.
Comment: This sequence change replaces arginine, which is basic and polar, with histidine, which is basic and polar, at codon 736 of the TCIRG1 protein (p.Arg736His). This variant is not present in population databases (gnomAD no frequency). This variant has not been reported in the literature in individuals affected with TCIRG1-related conditions. Invitae Evidence Modeling of protein sequence and biophysical properties (such as structural, functional, and spatial information, amino acid conservation, physicochemical variation, residue mobility, and thermodynamic stability) indicates that this missense variant is expected to disrupt TCIRG1 protein function with a positive predictive value of 80%. This variant disrupts the p.Arg736 amino acid residue in TCIRG1. Other variant(s) that disrupt this residue have been determined to be pathogenic (PMID: 24753205). This suggests that this residue is clinically significant, and that variants that disrupt this residue are likely to be disease-causing. In summary, the available evidence is currently insufficient to determine the role of this variant in disease. Therefore, it has been classified as a Variant of Uncertain Significance.

Literature cited by the submitters: PubMed 24753205.

NM_006019.4(TCIRG1):c.2207G>A (p.Arg736His)

Gene: TCIRG1 (T cell immune regulator 1, ATPase H+ transporting V0 subunit a3; plus strand). Cytogenetic location: 11q13.2.
Variant type: single nucleotide variant.
Coding change: c.2207G>A on transcript NM_006019.4 (MANE Select); coding-DNA position 2207, G replaced by A.
Protein change: p.Arg736His; replaces arginine 736 with histidine.
Molecular consequence: missense variant.
Genome position (GRCh38, 1-based): chr11:68,050,225, G>A. VCF-style: chr11-68050225-G-A. GRCh37 (hg19) VCF-style: chr11-67817692-G-A.
Other names: c.1313G>A, p.Arg438His (NM_001351059.2); c.2207G>A, p.Arg736His (NM_001440552.1, NM_001440553.1, NM_001440554.1 and 2 more transcripts); c.2165G>A, p.Arg722His (NM_001440555.1, NM_001440556.1, NM_001440563.1); c.1994G>A, p.Arg665His (NM_001440559.1, NM_001440560.1, NM_001440561.1 and 2 more transcripts); c.1952G>A, p.Arg651His (NM_001440564.1); c.1907G>A, p.Arg636His (NM_001440565.1); c.1745G>A, p.Arg582His (NM_001440567.1); c.1739G>A, p.Arg580His (NM_001440568.1); and 2 more; short protein forms R416H, R438H, R520H, R580H, R582H, R636H, R651H, R665H.
Identifiers: ClinVar variation 4807492 (VCV004807492.1).